The following is an entry in ClinVar:

NM_007294.4(BRCA1):c.4131C>T (p.Ser1377=)

Gene: BRCA1 (BRCA1 DNA repair associated; minus strand). Cytogenetic location: 17q21.31.
Variant type: single nucleotide variant.
Coding change: c.4131C>T on transcript NM_007294.4 (MANE Select); coding-DNA position 4131, C replaced by T.
Protein change: p.Ser1377=; no amino-acid change (serine 1377 retained).
Molecular consequence: synonymous variant.
Genome position (GRCh38, 1-based): chr17:43,090,998, G>A on the plus strand (C>T on the coding strand, the complement: BRCA1 is on the minus strand). VCF-style: chr17-43090998-G-A. GRCh37 (hg19) VCF-style: chr17-41243015-G-A.
Other names: c.702C>T, p.Ser234= (NM_001408431.1, NM_001408421.1, NM_001408424.1); c.696C>T, p.Ser232= (NM_001408432.1, NM_001408433.1, NM_001408434.1 and 6 more transcripts); c.699C>T, p.Ser233= (NM_001408436.1, NM_001408437.1, NM_001408438.1 and 12 more transcripts); c.687C>T, p.Ser229= (NM_001408451.1); c.681C>T, p.Ser227= (NM_001408452.1, NM_001408453.1, NM_001408454.1 and 11 more transcripts); c.678C>T, p.Ser226= (NM_001408462.1, NM_001408463.1, NM_001408464.1 and 3 more transcripts); c.822C>T, p.Ser274= (NM_001408472.1, NM_007298.4, NM_007299.4 and 18 more transcripts); c.819C>T, p.Ser273= (NM_001408473.1, NM_001407972.1, NM_001407984.1 and 13 more transcripts); and 41 more.
Identifiers: ClinVar variation 184408 (VCV000184408.23), dbSNP rs80356871, ClinGen allele CA002652.
Genomic context (GRCh38, chr17:43,090,998, plus strand): 5'-TTTTACCTGAGTGGTTAAAATGTCACTCTGAGAGGATAGCCCTGAGCAGTCTTCAGAGAC[G>A]CTTGTTTCACTCTCACACCCAGATGCTGCTTCACCTTAAATAACAAAAACAGAGGTTCAG-3'
Protein context (NP_009225.1, residues 1367-1387): EAASGCESET[Ser1377=]VSEDCSGLSS

ClinVar aggregate classification (germline): Likely benign. Review status: reviewed by expert panel (3 of 4 stars). 6 submissions from 6 submitters: Likely benign (1). 5 of the submissions do not count toward it. Last evaluated 2017-06-29.

Conditions:
Hereditary breast ovarian cancer syndrome. Also called: Hereditary breast and ovarian cancer syndrome; Hereditary breast and ovarian cancer syndrome (HBOC); BRCA1- and BRCA2-Associated Hereditary Breast and Ovarian Cancer; Breast and ovarian cancer; Hereditary breast and ovarian cancer; Hereditary breast and/or ovarian cancer syndrome. Identifiers: Orphanet 145, MedGen C0677776, MeSH D061325, MONDO:0003582. Disease mechanism: loss of function.
Hereditary cancer-predisposing syndrome. Also called: Hereditary Cancer Syndrome; Hereditary neoplastic syndrome; Tumor predisposition; Neoplastic Syndromes, Hereditary. Identifiers: Orphanet 140162, MedGen C0027672, MeSH D009386, MONDO:0015356.
Breast-ovarian cancer, familial, susceptibility to, 1 (BROVCA1). Also called: OVARIAN CANCER, SUSCEPTIBILITY TO; BRCA1 Hereditary Breast and Ovarian Cancer. Identifiers: Orphanet 145, MedGen C2676676, MONDO:0011450, OMIM 604370. Disease mechanism: loss of function.

gnomAD v4.1: 10 of 1,612,852 alleles (0.00062%); highest among the groups gnomAD compares: Admixed American, 0.0033%; no homozygotes.

Submissions (6):

Evidence-based Network for the Interpretation of Germline Mutant Alleles (ENIGMA)
Classification: Likely benign for Breast-ovarian cancer, familial, susceptibility to, 1. Last evaluated: 2017-06-29. Review status: reviewed by expert panel. Criteria: ENIGMA BRCA1/2 Classification Criteria (2017-06-29). Collection method: curation. Allele origin: germline.
Comment: Synonymous substitution variant, with low bioinformatic likelihood to result in a splicing aberration (Splicing prior probability 0.02).

Women's Health and Genetics/Laboratory Corporation of America, LabCorp
Classification: Likely benign. Last evaluated: 2025-02-13. Review status: criteria provided, single submitter. Criteria: LabCorp Variant Classification Summary - May 2015. Collection method: clinical testing. Allele origin: germline. Not counted in ClinVar's aggregate classification.

Labcorp Genetics (formerly Invitae), Labcorp
Classification: Likely benign for Hereditary breast ovarian cancer syndrome. Last evaluated: 2025-01-29. Review status: criteria provided, single submitter. Criteria: Invitae Variant Classification Sherloc (09022015). Collection method: clinical testing. Allele origin: germline. Not counted in ClinVar's aggregate classification.

Quest Diagnostics Nichols Institute San Juan Capistrano
Classification: Likely benign. Last evaluated: 2022-11-11. Review status: criteria provided, single submitter. Criteria: Quest Diagnostics criteria. Collection method: clinical testing. Allele origin: unknown. Not counted in ClinVar's aggregate classification.

Color Diagnostics, LLC DBA Color Health
Classification: Likely benign for Hereditary cancer-predisposing syndrome. Last evaluated: 2018-09-24. Review status: criteria provided, single submitter. Criteria: ACMG Guidelines, 2015. Collection method: clinical testing. Allele origin: germline. Not counted in ClinVar's aggregate classification.

Ambry Genetics
Classification: Likely benign for Hereditary cancer-predisposing syndrome. Last evaluated: 2018-05-04. Review status: criteria provided, single submitter. Criteria: Ambry Variant Classification Scheme 2023. Collection method: clinical testing. Allele origin: germline. Not counted in ClinVar's aggregate classification.

Literature cited by the submitters: PubMed 30287823 (cited by Quest Diagnostics Nichols Institute San Juan Capistrano); PubMed 32467295 (cited by Quest Diagnostics Nichols Institute San Juan Capistrano).